The following is an entry in ClinVar:

ClinVar aggregate classification (germline): Uncertain significance (1 of 4 stars; one submission).

Conditions:
Myoclonic dystonia 11 (DYT11). Also called: Myoclonic dystonia; Dystonia 11; Dystonia, alcohol responsive; Hereditary essential myoclonus; SGCE Myoclonus-Dystonia; Myoclonus-Dystonia. Identifiers: Orphanet 36899, MedGen C1834570, MONDO:0008044, OMIM 159900.

Allele frequency attached by ClinVar (database versions not stated): gnomAD exomes 0.00001; ExAC 0.00002.
gnomAD v4.1: 11 of 1,612,638 alleles (0.00068%); highest among the groups gnomAD compares: South Asian, 0.0011%; no homozygotes.

Submission:

Labcorp Genetics (formerly Invitae), Labcorp
Classification: Uncertain significance for Myoclonic dystonia 11. Last evaluated: 2025-10-13. Review status: criteria provided, single submitter. Criteria: Invitae Variant Classification Sherloc (09022015). Collection method: clinical testing. Allele origin: germline.
Comment: This sequence change replaces valine, which is neutral and non-polar, with isoleucine, which is neutral and non-polar, at codon 222 of the SGCE protein (p.Val222Ile). This variant is present in population databases (rs754956483, gnomAD 0.003%). This variant has not been reported in the literature in individuals affected with SGCE-related conditions. ClinVar contains an entry for this variant (Variation ID: 639938). An algorithm developed to predict the effect of missense changes on protein structure and function (PolyPhen-2) suggests that this variant is likely to be disruptive. In summary, the available evidence is currently insufficient to determine the role of this variant in disease. Therefore, it has been classified as a Variant of Uncertain Significance.

NM_003919.3(SGCE):c.664G>A (p.Val222Ile)

Genes: CASD1 (CAS1 domain sialic acid O acetyltransferase 1; plus strand), SGCE (sarcoglycan epsilon; minus strand). Cytogenetic location: 7q21.3.
Variant type: single nucleotide variant.
Coding change: c.664G>A on transcript NM_003919.3 (MANE Select); coding-DNA position 664, G replaced by A.
Protein change: p.Val222Ile; replaces valine 222 with isoleucine.
Molecular consequence: missense variant.
Genome position (GRCh38, 1-based): chr7:94,603,451, C>T on the plus strand (G>A on the coding strand, the complement: SGCE is on the minus strand). VCF-style: chr7-94603451-C-T. GRCh37 (hg19) VCF-style: chr7-94232763-C-T.
Other names: c.664G>A, p.Val222Ile (NM_001099400.2, NM_001099401.2, NM_001346717.2); c.541G>A, p.Val181Ile (NM_001301139.2, NM_001362809.2); c.772G>A, p.Val258Ile (NM_001346713.2, NM_001346715.2); c.577G>A, p.Val193Ile (NM_001346719.2, NM_001362807.2); c.391G>A, p.Val131Ile (NM_001346720.2, NM_001362808.2); short protein forms V131I, V222I, V181I, V193I, V258I.
Identifiers: ClinVar variation 639938 (VCV000639938.6), dbSNP rs754956483, ClinGen allele CA4348739.